The following is an entry in ClinVar:

ClinVar aggregate classification (germline): Benign/Likely benign. Review status: criteria provided, multiple submitters, no conflicts (2 of 4 stars). 13 submissions from 10 submitters: Benign (5); Likely benign (8). Last evaluated 2026-09-01.

Conditions:
TTN-related disorder. Also called: TTN-related disorders; TTN-related condition; TTN-related disease.
Cardiovascular phenotype. Identifiers: MedGen CN230736.
Autosomal recessive limb-girdle muscular dystrophy type 2J (LGMDR10). Also called: MUSCULAR DYSTROPHY, LIMB-GIRDLE, AUTOSOMAL RECESSIVE 10; Limb-girdle muscular dystrophy, type 2J. Identifiers: Orphanet 140922, MedGen C1837342, MONDO:0012127, OMIM 608807.
Dilated cardiomyopathy 1G (CMD1G). Identifiers: Orphanet 154, MedGen C1858763, MONDO:0011400, OMIM 604145.
Cardiomyopathy (CMYO). Also called: Cardiomyopathies. Identifiers: Orphanet 167848, MedGen C0878544, MONDO:0004994, HP:0001638. Inheritance: Various modes of inheritance.
Early-onset myopathy with fatal cardiomyopathy (CMYO5). Also called: CONGENITAL MYOPATHY 5 WITH CARDIOMYOPATHY; Salih Myopathy. Identifiers: Orphanet 289377, MedGen C2673677, MONDO:0012714, OMIM 611705. Disease mechanism: loss of function.
Myopathy, myofibrillar, 9, with early respiratory failure (MFM9). Also called: Myopathy, distal, with early respiratory failure, autosomal dominant; Hereditary myopathy with early respiratory failure; EDSTROM MYOPATHY; MYOPATHY, PROXIMAL, WITH EARLY RESPIRATORY MUSCLE INVOLVEMENT. Identifiers: Orphanet 178464, Orphanet 34521, MedGen C1863599, MONDO:0011362, OMIM 603689.
Tibial muscular dystrophy (TMD). Also called: Tibial muscular dystrophy, tardive; Udd Distal Myopathy – Tibial Muscular Dystrophy; UDD MYOPATHY. Identifiers: Orphanet 609, MedGen C1838244, MONDO:0010870, OMIM 600334.

Allele frequency attached by ClinVar (database versions not stated): ExAC 0.00006; TOPMed 0.00011; gnomAD 0.00009 and 0.00010; gnomAD exomes 0.00007; ESP Exome Variant Server 0.00008.
gnomAD v4.1: 226 of 1,613,922 alleles (0.014%); highest among the groups gnomAD compares: Non-Finnish European, 0.018%; no homozygotes.

Submissions (13):

CeGaT Center for Human Genetics Tuebingen
Classification: Likely benign. Last evaluated: 2026-09-01. Review status: criteria provided, single submitter. Criteria: CeGaT Center For Human Genetics Tuebingen Variant Classification Criteria Version 2. Collection method: clinical testing. Allele origin: germline. Affected: yes. Observed: 1 variant allele.
Comment: TTN: BP4, BP7

Labcorp Genetics (formerly Invitae), Labcorp
Classification: Likely benign for Dilated cardiomyopathy 1G; Autosomal recessive limb-girdle muscular dystrophy type 2J. Last evaluated: 2026-01-25. Review status: criteria provided, single submitter. Criteria: Invitae Variant Classification Sherloc (09022015). Collection method: clinical testing. Allele origin: germline.

PreventionGenetics, part of Exact Sciences
Classification: Likely benign for TTN-related condition. Last evaluated: 2025-07-28. Review status: criteria provided, single submitter. Criteria: ACMG Guidelines, 2015. Collection method: clinical testing. Allele origin: germline.
Comment: This variant is classified as likely benign based on ACMG/AMP sequence variant interpretation guidelines (Richards et al. 2015 PMID: 25741868, with internal and published modifications).

Women's Health and Genetics/Laboratory Corporation of America, LabCorp
Classification: Likely benign. Last evaluated: 2025-06-07. Review status: criteria provided, single submitter. Criteria: LabCorp Variant Classification Summary - May 2015. Collection method: clinical testing. Allele origin: germline.

Blueprint Genetics
Classification: Likely benign. Last evaluated: 2024-10-01. Review status: criteria provided, single submitter. Criteria: ACMG Guidelines, 2015. Collection method: clinical testing. Allele origin: germline.

Genome-Nilou Lab
Classification: Benign for Autosomal recessive limb-girdle muscular dystrophy type 2J. Last evaluated: 2021-09-10. Review status: criteria provided, single submitter. Criteria: ACMG Guidelines, 2015. Collection method: clinical testing. Allele origin: germline. Affected: no.

Genome-Nilou Lab
Classification: Benign for Myopathy, myofibrillar, 9, with early respiratory failure. Last evaluated: 2021-09-10. Review status: criteria provided, single submitter. Criteria: ACMG Guidelines, 2015. Collection method: clinical testing. Allele origin: germline. Affected: no.

Genome-Nilou Lab
Classification: Benign for Early-onset myopathy with fatal cardiomyopathy. Last evaluated: 2021-09-10. Review status: criteria provided, single submitter. Criteria: ACMG Guidelines, 2015. Collection method: clinical testing. Allele origin: germline. Affected: no.

Genome-Nilou Lab
Classification: Benign for Tibial muscular dystrophy. Last evaluated: 2021-09-10. Review status: criteria provided, single submitter. Criteria: ACMG Guidelines, 2015. Collection method: clinical testing. Allele origin: germline. Affected: no.

CHEO Genetics Diagnostic Laboratory, Children's Hospital of Eastern Ontario
Classification: Likely benign for Cardiomyopathy. Last evaluated: 2021-06-02. Review status: criteria provided, single submitter. Criteria: ACMG Guidelines, 2015. Collection method: clinical testing. Allele origin: germline.

Ambry Genetics
Classification: Likely benign for Cardiovascular phenotype. Last evaluated: 2019-10-02. Review status: criteria provided, single submitter. Criteria: Ambry Variant Classification Scheme 2023. Collection method: clinical testing. Allele origin: germline.

GeneDx
Classification: Benign. Last evaluated: 2014-04-25. Review status: criteria provided, single submitter. Criteria: GeneDx Variant Classification (06012015). Collection method: clinical testing. Allele origin: germline. Affected: yes.
Comment: This variant is considered likely benign or benign based on one or more of the following criteria: it is a conservative change, it occurs at a poorly conserved position in the protein, it is predicted to be benign by multiple in silico algorithms, and/or has population frequency not consistent with disease.

Laboratory for Molecular Medicine, Mass General Brigham Personalized Medicine
Classification: Likely benign. Last evaluated: 2011-11-16. Review status: criteria provided, single submitter. Criteria: LMM Criteria. Collection method: clinical testing. Allele origin: germline. Observed: 2 variant alleles.
Comment: Pro717Pro in exon 14 of TTN: This variant does not change an amino acid and does not affect the splice consensus sequence. This makes a disease causing role ver y unlikely. Pro717Pro in exon 14 of TTN (allele frequency = n/a)

NM_001267550.2(TTN):c.2151C>T (p.Pro717=)

Gene: TTN (titin; minus strand). Cytogenetic location: 2q31.2.
Variant type: single nucleotide variant.
Coding change: c.2151C>T on transcript NM_001267550.2 (MANE Select); coding-DNA position 2151, C replaced by T.
Protein change: p.Pro717=; no amino-acid change (proline 717 retained).
Molecular consequence: synonymous variant.
Genome position (GRCh38, 1-based): chr2:178,786,067, G>A on the plus strand (C>T on the coding strand, the complement: TTN is on the minus strand). VCF-style: chr2-178786067-G-A. GRCh37 (hg19) VCF-style: chr2-179650794-G-A.
Other names: p.P717P:CCC>CCT; c.2151C>T, p.Pro717= (NM_001256850.1, NM_133378.4, NM_133379.5); c.2013C>T, p.Pro671= (NM_003319.4, NM_133432.3, NM_133437.4).
Identifiers: ClinVar variation 46755 (VCV000046755.25), dbSNP rs374570732, ClinGen allele CA282927.